The following is an entry in ClinVar:

NM_030632.3(ASXL3):c.621A>T (p.Ala207=)

Gene: ASXL3 (ASXL transcriptional regulator 3; plus strand). Cytogenetic location: 18q12.1.
Variant type: single nucleotide variant.
Coding change: c.621A>T on transcript NM_030632.3 (MANE Select); coding-DNA position 621, A replaced by T.
Protein change: p.Ala207=; no amino-acid change (alanine 207 retained).
Molecular consequence: synonymous variant.
Genome position (GRCh38, 1-based): chr18:33,671,772, A>T. VCF-style: chr18-33671772-A-T. GRCh37 (hg19) VCF-style: chr18-31251736-A-T.
Other names: c.621A>T (NM_030632.2).
Identifiers: ClinVar variation 1289415 (VCV001289415.27), dbSNP rs201134613, ClinGen allele CA8933598.
Genomic context (GRCh38, chr18:33,671,772, plus strand): 5'-GAAGATAATGACATAATAACTATTTCCTTTTTTAGGATCTGAATCTAAAAATGGTGAAGC[A>T]GACAGTTCAGATAAAGAAATGAAACATGGGCAAAAATCTCCCACTGGAAAACAAACAAGT-3'
Protein context (NP_085135.1, residues 197-217): PSGSESKNGE[Ala207=]DSSDKEMKHG

ClinVar aggregate classification (germline): Benign/Likely benign. Review status: criteria provided, multiple submitters, no conflicts (2 of 4 stars). 3 submissions from 3 submitters: Benign (1); Likely benign (1). 1 of the submissions does not count toward it. Last evaluated 2023-10-01.

Conditions:
ASXL3-related disorder. Also called: ASXL3-related condition. Identifiers: MedGen CN381524.

Allele frequency attached by ClinVar (database versions not stated): 1000 Genomes Project 30x 0.00031; 1000 Genomes Project 0.00040; ESP Exome Variant Server 0.00051; gnomAD 0.00067 and 0.00072; TOPMed 0.00070.
gnomAD v4.1: 172 of 1,609,198 alleles (0.011%); highest among the groups gnomAD compares: African/African-American, 0.21%; no homozygotes.

Submissions (3):

CeGaT Center for Human Genetics Tuebingen
Classification: Likely benign. Last evaluated: 2023-10-01. Review status: criteria provided, single submitter. Criteria: CeGaT Center For Human Genetics Tuebingen Variant Classification Criteria Version 2. Collection method: clinical testing. Allele origin: germline. Affected: yes. Observed: 1 variant allele.
Comment: ASXL3: BP4, BP7

GeneDx
Classification: Benign. Last evaluated: 2020-01-17. Review status: criteria provided, single submitter. Criteria: GeneDx Variant Classification Process June 2021. Collection method: clinical testing. Allele origin: germline. Affected: yes.

PreventionGenetics, part of Exact Sciences
Classification: Likely benign for ASXL3-related condition. Last evaluated: 2022-03-15. Review status: no assertion criteria provided. Collection method: clinical testing. Allele origin: germline. Not counted in ClinVar's aggregate classification.
Comment: This variant is classified as likely benign based on ACMG/AMP sequence variant interpretation guidelines (Richards et al. 2015 PMID: 25741868, with internal and published modifications).